The following is an entry in ClinVar:

ClinVar aggregate classification (germline): Uncertain significance (1 of 4 stars; one submission).

gnomAD v4.1: 3 of 1,210,909 alleles (0.00025%); highest among the groups gnomAD compares: South Asian, 0.0018%; no homozygotes.

Submission:

Labcorp Genetics (formerly Invitae), Labcorp
Classification: Uncertain significance. Last evaluated: 2025-05-10. Review status: criteria provided, single submitter. Criteria: Invitae Variant Classification Sherloc (09022015). Collection method: clinical testing. Allele origin: germline.
Comment: This sequence change replaces arginine, which is basic and polar, with tryptophan, which is neutral and slightly polar, at codon 800 of the COL4A6 protein (p.Arg800Trp). The frequency data for this variant in the population databases is considered unreliable, as metrics indicate poor data quality at this position in the gnomAD database. This variant has not been reported in the literature in individuals affected with COL4A6-related conditions. Invitae Evidence Modeling of protein sequence and biophysical properties (such as structural, functional, and spatial information, amino acid conservation, physicochemical variation, residue mobility, and thermodynamic stability) has been performed for this missense variant. However, the output from this modeling did not meet the statistical confidence thresholds required to predict the impact of this variant on COL4A6 protein function. Algorithms developed to predict the effect of sequence changes on RNA splicing suggest that this variant may disrupt the consensus splice site. In summary, the available evidence is currently insufficient to determine the role of this variant in disease. Therefore, it has been classified as a Variant of Uncertain Significance.

NM_033641.4(COL4A6):c.2395C>T (p.Arg799Trp)

Gene: COL4A6 (collagen type IV alpha 6 chain; minus strand). Cytogenetic location: Xq22.3.
Variant type: single nucleotide variant.
Coding change: c.2395C>T on transcript NM_033641.4 (MANE Select); coding-DNA position 2395, C replaced by T.
Protein change: p.Arg799Trp; replaces arginine 799 with tryptophan.
Molecular consequence: missense variant.
Genome position (GRCh38, 1-based): chrX:108,178,804, G>A on the plus strand (C>T on the coding strand, the complement: COL4A6 is on the minus strand). VCF-style: chrX-108178804-G-A. GRCh37 (hg19) VCF-style: chrX-107422034-G-A.
Other names: c.2446C>T, p.Arg816Trp (NM_001287758.2); c.2395C>T, p.Arg799Trp (NM_001287759.2, NM_001287760.2, NM_001440760.1); c.2398C>T, p.Arg800Trp (NM_001440759.1, NM_001847.4); short protein forms R799W, R800W, R816W.
Identifiers: ClinVar variation 4804612 (VCV004804612.1).